The following is an entry in ClinVar:

ClinVar aggregate classification (germline): Uncertain significance. Review status: criteria provided, single submitter (1 of 4 stars). 2 submissions from 2 submitters: Uncertain significance (1). 1 of the submissions does not count toward it. Last evaluated 2019-06-13.

Conditions:
Basal ganglia calcification, idiopathic, 7, autosomal recessive. Also called: PRIMARY FAMILIAL BRAIN CALCIFICATION 7, AUTOSOMAL RECESSIVE. Identifiers: MedGen C5193025, MONDO:0032673, OMIM 618317.

Submissions (2):

SIB Swiss Institute of Bioinformatics
Classification: Uncertain significance for Basal ganglia calcification, idiopathic, 7, autosomal recessive. Last evaluated: 2019-06-13. Review status: criteria provided, single submitter. Criteria: ACMG Guidelines, 2015. Collection method: curation. Allele origin: unknown.
Comment: This variant is interpreted as a variant of Uncertain significance for Basal ganglia calcification, idiopathic, 7, autosomal recessive. The following ACMG Tag(s) were applied: PM2, PM3.

OMIM
Classification: Pathogenic for PRIMARY FAMILIAL BRAIN CALCIFICATION 7, AUTOSOMAL RECESSIVE. Last evaluated: 2026-11-13. Review status: no assertion criteria provided. Collection method: literature only. Allele origin: germline. Not counted in ClinVar's aggregate classification.

Literature cited by the submitters: PubMed 29910000 (cited by SIB Swiss Institute of Bioinformatics and OMIM).

NM_020702.5(MYORG):c.782_783delinsTT

Gene: MYORG (myogenesis regulating glycosidase; minus strand). Cytogenetic location: 9p13.3.
Variant type: Indel.
Coding change: c.782_783delinsTT on transcript NM_020702.5 (MANE Select); coding-DNA positions 782 to 783, GC replaced by TT.
Genome position (GRCh38, 1-based): chr9:34,372,161-34,372,162, GC replaced by AA on the plus strand (GC replaced by TT on the coding strand, the reverse complement: MYORG is on the minus strand). VCF-style: chr9-34372161-GC-AA. GRCh37 (hg19) VCF-style: chr9-34372159-GC-AA.
Other names: R261L.
Identifiers: ClinVar variation 617693 (VCV000617693.3), dbSNP rs1563982307, ClinGen allele CA913189047.